The following is an entry in ClinVar:

NM_000238.4(KCNH2):c.1676T>A (p.Leu559His)

Gene: KCNH2 (potassium voltage-gated channel subfamily H member 2; minus strand). Cytogenetic location: 7q36.1.
Variant type: single nucleotide variant.
Coding change: c.1676T>A on transcript NM_000238.4 (MANE Select); coding-DNA position 1676, T replaced by A.
Protein change: p.Leu559His; replaces leucine 559 with histidine.
Molecular consequence: missense variant.
Genome position (GRCh38, 1-based): chr7:150,951,717, A>T on the plus strand (T>A on the coding strand, the complement: KCNH2 is on the minus strand). VCF-style: chr7-150951717-A-T. GRCh37 (hg19) VCF-style: chr7-150648805-A-T.
Other names: c.1676T>A (LRG_288t1); c.656T>A, p.Leu219His (NM_001204798.2, NM_172057.3); c.1388T>A, p.Leu463His (NM_001406753.1, NM_001406756.1); c.1499T>A, p.Leu500His (NM_001406755.1); c.1376T>A, p.Leu459His (NM_001406757.1); c.1676T>A, p.Leu559His (NM_172056.3); short protein forms L219H, L559H, L459H, L500H, L463H.
Identifiers: ClinVar variation 67227 (VCV000067227.3), dbSNP rs199472920, ClinGen allele CA004998.

ClinVar aggregate classification (germline): not provided (0 of 4 stars; one submission).

Conditions:
Familial long QT syndrome (RWS). Also called: Congenital long QT syndrome; Romano-Ward syndrome; VENTRICULAR FIBRILLATION WITH PROLONGED QT INTERVAL. Identifiers: Orphanet 768, MedGen C1141890, MONDO:0019171.

Submission:

Cardiovascular Biomedical Research Unit, Royal Brompton & Harefield NHS Foundation Trust
No classification provided. Condition: Familial long QT syndrome. Review status: no classification provided. Collection method: literature only. Allele origin: germline.
Comment: This variant has been reported as associated with Long QT syndrome in the following publications (PMID:12442276;PMID:18218237). This is a literature report, and does not necessarily reflect the clinical interpretation of the Imperial College / Royal Brompton Cardiovascular Genetics laboratory.

Literature cited by the submitters: PubMed 12442276; PubMed 18218237; PubMed 22581653.